The following is an entry in ClinVar:

ClinVar aggregate classification (germline): Pathogenic. Review status: criteria provided, multiple submitters, no conflicts (2 of 4 stars). 5 submissions from 5 submitters: Pathogenic (5). Last evaluated 2026-03-27.

Conditions:
Ataxia-telangiectasia syndrome (AT). Also called: Cerebello-oculocutaneous telangiectasia; Immunodeficiency with ataxia telangiectasia; Ataxia-telangiectasia, complementation group E; Ataxia telangiectasia (A-T); LOUIS-BAR SYNDROME; Ataxia-telangiectasia, complementation group D. Identifiers: Orphanet 100, MedGen C0004135, MONDO:0008840, OMIM 208900.
Familial cancer of breast. Also called: hereditary breast carcinoma; BREAST CANCER, FAMILIAL; Hereditary breast cancer. Identifiers: Orphanet 227535, MedGen C0346153, MONDO:0016419, OMIM 114480. Disease mechanism: loss of function.

Submissions (5):

Center for Human Genetics and Genomic Medicine, Uniklinik Rwth Aachen
Classification: Pathogenic for Ataxia-telangiectasia syndrome. Last evaluated: 2026-03-27. Review status: criteria provided, single submitter. Criteria: ACMG Guidelines, 2015. Collection method: clinical testing. Allele origin: maternal. Affected: yes.

Labcorp Genetics (formerly Invitae), Labcorp
Classification: Pathogenic for Ataxia-telangiectasia syndrome. Last evaluated: 2025-05-05. Review status: criteria provided, single submitter. Criteria: Invitae Variant Classification Sherloc (09022015). Collection method: clinical testing. Allele origin: germline.
Comment: This sequence change creates a premature translational stop signal (p.Glu1783Thrfs*9) in the ATM gene. It is expected to result in an absent or disrupted protein product. Loss-of-function variants in ATM are known to be pathogenic (PMID: 23807571, 25614872). This variant is not present in population databases (gnomAD no frequency). This premature translational stop signal has been observed in individual(s) with ataxia-telangiectasia (PMID: 33376610). ClinVar contains an entry for this variant (Variation ID: 1075452). For these reasons, this variant has been classified as Pathogenic.

Center for Genomic Medicine, Rigshospitalet, Copenhagen University Hospital
Classification: Pathogenic. Last evaluated: 2025-03-04. Review status: criteria provided, single submitter. Criteria: ACMG Guidelines, 2015. Collection method: clinical testing. Allele origin: germline.

Myriad Genetics, Inc.
Classification: Pathogenic for Familial cancer of breast. Last evaluated: 2024-01-25. Review status: criteria provided, single submitter. Criteria: Myriad Autosomal Dominant, Autosomal Recessive and X-Linked Classification Criteria (2023). Collection method: clinical testing. Allele origin: unknown.
Comment: This variant is considered pathogenic. This variant creates a frameshift predicted to result in premature protein truncation.

Baylor Genetics
Classification: Pathogenic for Familial cancer of breast. Last evaluated: 2022-12-25. Review status: criteria provided, single submitter. Criteria: ACMG Guidelines, 2015. Collection method: clinical testing. Allele origin: unknown.

Literature cited by the submitters: PubMed 23807571 (cited by Labcorp Genetics (formerly Invitae), Labcorp); PubMed 25614872 (cited by Labcorp Genetics (formerly Invitae), Labcorp); PubMed 33376610 (cited by Labcorp Genetics (formerly Invitae), Labcorp and Center for Genomic Medicine, Rigshospitalet, Copenhagen University Hospital).

NM_000051.4(ATM):c.5347_5350del (p.Glu1783fs)

Gene: ATM (ATM serine/threonine kinase; plus strand). Cytogenetic location: 11q22.3.
Variant type: Deletion.
Coding change: c.5347_5350del on transcript NM_000051.4 (MANE Select); coding-DNA positions 5347 to 5350, 4 bases deleted (GAAA; older notation c.5347_5350delGAAA).
Protein change: p.Glu1783fs; shifts the reading frame from glutamic acid 1783.
Molecular consequence: frameshift variant.
Genome position (GRCh38, 1-based): chr11:108,302,880-108,302,883, GAAA deleted; deleting any 4 consecutive bases within chr11:108,302,877-108,302,883 gives the same sequence; the c. name uses the placement nearest the transcript's 3' end. VCF-style (leftmost placement, unchanged base first): chr11-108302876-CAAAG-C. GRCh37 (hg19) VCF-style: chr11-108173603-CAAAG-C.
Other names: c.5347_5350del, p.Glu1783fs (NM_001351834.2); c.5347_5350delGAAA (NM_000051.4); short protein forms E1783fs.
Identifiers: ClinVar variation 1075452 (VCV001075452.11), dbSNP rs2135927504, ClinGen allele CA2499220656.